The following is an entry in ClinVar:

ClinVar aggregate classification (germline): Pathogenic (1 of 4 stars; one submission).

Conditions:
Alkaptonuria (AKU). Also called: HOMOGENTISIC ACID OXIDASE DEFICIENCY; Alcaptonuria; Homogentisic acidura; Alkaptonuric ochronosis. Identifiers: Orphanet 56, MedGen C0002066, MONDO:0008753, OMIM 203500.

Submission:

Myriad Genetics, Inc.
Classification: Pathogenic for Alkaptonuria. Last evaluated: 2026-03-06. Review status: criteria provided, single submitter. Criteria: Myriad Autosomal Dominant, Autosomal Recessive and X-Linked Classification Criteria (2023). Collection method: clinical testing. Allele origin: unknown.
Comment: NM_000187.3(HGD):c.111C>A(Y37*) is expected to be pathogenic in the context of alkaptonuria. This variant is predicted to lead to an abnormal or absent protein product due to the creation of a premature termination codon in HGD, a gene where loss-of-function variants are known to be pathogenic. Please note: this variant was assessed in the context of healthy population screening.

NM_000187.4(HGD):c.111C>A (p.Tyr37Ter)

Gene: HGD (homogentisate 1,2-dioxygenase; minus strand). Cytogenetic location: 3q13.33.
Variant type: single nucleotide variant.
Coding change: c.111C>A on transcript NM_000187.4 (MANE Select); coding-DNA position 111, C replaced by A.
Protein change: p.Tyr37Ter; replaces tyrosine 37 with a stop codon.
Molecular consequence: nonsense.
Genome position (GRCh38, 1-based): chr3:120,674,966, G>T on the plus strand (C>A on the coding strand, the complement: HGD is on the minus strand). VCF-style: chr3-120674966-G-T. GRCh37 (hg19) VCF-style: chr3-120393813-G-T.
Other names: short protein forms Y37*.
Identifiers: ClinVar variation 5015650 (VCV005015650.1).
Genomic context (GRCh38, chr3:120,674,966, plus strand): 5'-CTTATTGGTGCTCCGTGGACAAGTGAAAGCCGATCCTGAGAGCTGCTCAGCATAGAGATT[G>T]TAGGGGCAGACCTGAGGATTATTCTGAAACAAAGGATGCAATAAACAATATTACTCCCAT-3'